The following is an entry in ClinVar:

NM_003491.4(NAA10):c.529G>C (p.Glu177Gln)

Gene: NAA10 (N-alpha-acetyltransferase 10, NatA catalytic subunit; minus strand). Cytogenetic location: Xq28.
Variant type: single nucleotide variant.
Coding change: c.529G>C on transcript NM_003491.4 (MANE Select); coding-DNA position 529, G replaced by C.
Protein change: p.Glu177Gln; replaces glutamic acid 177 with glutamine.
Molecular consequence: missense variant.
Genome position (GRCh38, 1-based): chrX:153,930,166, C>G on the plus strand (G>C on the coding strand, the complement: NAA10 is on the minus strand). VCF-style: chrX-153930166-C-G. GRCh37 (hg19) VCF-style: chrX-153195619-C-G.
Other names: c.484G>C, p.Glu162Gln (NM_001256119.2); c.511G>C, p.Glu171Gln (NM_001256120.2); short protein forms E162Q, E171Q, E177Q.
Identifiers: ClinVar variation 3344380 (VCV003344380.1).
Genomic context (GRCh38, chrX:153,930,166, plus strand): 5'-CCTCGCGACAGGCCTCTCCTGAGCTCGGAGGTGAATTGCCTTTGCTCTCCACCTTGTTCT[C>G]GATGGCACCCAGCACCACGTGCCTGCCCTTCTCTTTCAGCTCCAGGTGCCGCCTCAGCTG-3'
Protein context (NP_003482.1, residues 167-187): KGRHVVLGAI[Glu177Gln]NKVESKGNSP

ClinVar aggregate classification (germline): Uncertain significance (0 of 4 stars; one submission).

Conditions:
NAA10-related disorder. Also called: NAA10-related condition; NAA10-related disorders.

gnomAD v4.1: 1 of 1,211,526 alleles (0.000083%); highest among the groups gnomAD compares: Non-Finnish European, 0.00011%; no homozygotes.

Submission:

PreventionGenetics, part of Exact Sciences
Classification: Uncertain significance for NAA10-related condition. Last evaluated: 2024-07-09. Review status: no assertion criteria provided. Collection method: clinical testing. Allele origin: germline.
Comment: The NAA10 c.529G>C variant is predicted to result in the amino acid substitution p.Glu177Gln. To our knowledge, this variant has not been reported in the literature. This variant is reported in 0.0012% of alleles in individuals of European (Non-Finnish) descent in gnomAD. At this time, the clinical significance of this variant is uncertain due to the absence of conclusive functional and genetic evidence.